The following is an entry in ClinVar:

ClinVar aggregate classification (germline): Pathogenic (1 of 4 stars; one submission).

Conditions:
Neurofibromatosis, type 1 (NF1). Also called: NEUROFIBROMATOSIS, TYPE I, SOMATIC; VON RECKLINGHAUSEN DISEASE; Peripheral type neurofibromatosis; Neurofibromatosis, type I. Identifiers: Orphanet 636, MedGen C0027831, MONDO:0018975, OMIM 162200. Disease mechanism: loss of function.

Submission:

Labcorp Genetics (formerly Invitae), Labcorp
Classification: Pathogenic for Neurofibromatosis, type 1. Last evaluated: 2021-12-08. Review status: criteria provided, single submitter. Criteria: Invitae Variant Classification Sherloc (09022015). Collection method: clinical testing. Allele origin: germline.
Comment: For these reasons, this variant has been classified as Pathogenic. This variant disrupts a region of the NF1 protein in which other variant(s) (deletion of exons 36-57) have been determined to be pathogenic (PMID: 10607834, 10980545, 12807981, 24357598, 26178382; Invitae). This suggests that this is a clinically significant region of the protein, and that variants that disrupt it are likely to be disease-causing. This variant is also known as deletion of exons 14-58. A similar copy number variant has been observed in individual(s) with neurofibromatosis type 1 (PMID: 25631097). This variant is a gross deletion of the genomic region encompassing exon(s) 14-57 of the NF1 gene, which includes the termination codon. This deletion extends beyond the assayed region for this gene and therefore may encompass additional genes. While this deletion is not anticipated to lead to nonsense mediated decay, it is expected to alter mRNA translation or result in a truncated protein product.

Literature cited by the submitters: PubMed 10607834; PubMed 10980545; PubMed 12807981; PubMed 24357598; PubMed 26178382; PubMed 25631097.

NC_000017.10:g.(?_29546003)_(29701173_?)del

Genes: EVI2A (ecotropic viral integration site 2A; minus strand), EVI2B (ecotropic viral integration site 2B; minus strand), NF1 (neurofibromin 1; plus strand), OMG (oligodendrocyte myelin glycoprotein; minus strand). Cytogenetic location: 17q11.2.
Variant type: Deletion.
Identifiers: ClinVar variation 1460273 (VCV001460273.4).